The following is an entry in ClinVar:

NM_017777.4(MKS1):c.371G>A (p.Arg124Gln)

Gene: MKS1 (MKS transition zone complex subunit 1; minus strand). Cytogenetic location: 17q22.
Variant type: single nucleotide variant.
Coding change: c.371G>A on transcript NM_017777.4 (MANE Select); coding-DNA position 371, G replaced by A.
Protein change: p.Arg124Gln; replaces arginine 124 with glutamine.
Molecular consequence: missense variant. On other transcripts: 5 prime UTR variant (1).
Genome position (GRCh38, 1-based): chr17:58,216,134, C>T on the plus strand (G>A on the coding strand, the complement: MKS1 is on the minus strand). VCF-style: chr17-58216134-C-T. GRCh37 (hg19) VCF-style: chr17-56293495-C-T.
Other names: c.-141G>A (NM_001321268.2); c.371G>A, p.Arg124Gln (NM_001321269.2, NM_001330397.2); short protein forms R124Q.
Identifiers: ClinVar variation 530895 (VCV000530895.36), dbSNP rs765026950, ClinGen allele CA8669554.
Genomic context (GRCh38, chr17:58,216,134, plus strand): 5'-AGAAAGAACAATACCTCCTCCAAATTGGTGTATCTATCAGAGTCAGTGTAGGTAAAGATT[C>T]GTCGGTTTTTCTTGCCACCCGAATTCTCCAGCTTCAGGATCTCCTGACGGTACTGATAAT-3'
Protein context (NP_060247.2, residues 114-134): LENSGGKKNR[Arg124Gln]IFTYTDSDRY

ClinVar aggregate classification (germline): Conflicting classifications of pathogenicity. Review status: criteria provided, conflicting classifications (1 of 4 stars). 8 submissions from 8 submitters: Likely pathogenic (1); Uncertain significance (5). 2 of the submissions do not count toward it. Last evaluated 2026-02-10.

Conditions:
MKS1-related disorder. Also called: MKS1-related condition; MKS1-related disorders. Identifiers: MedGen CN239382.
Ciliopathy. Also called: Ciliopathies. Identifiers: Orphanet 363250, MedGen C4277690, MONDO:0005308, MeSH D000072661.
Meckel syndrome, type 1 (MKS1). Also called: MECKEL-GRUBER SYNDROME, TYPE 1. Identifiers: Orphanet 564, MedGen C3714506, MONDO:0009571, OMIM 249000.
Meckel-Gruber syndrome. Also called: DYSENCEPHALIA SPLANCHNOCYSTICA; Dysencephalia splachnocystica; GRUBER SYNDROME. Identifiers: Orphanet 564, MedGen C0265215, MONDO:0018921.
Joubert syndrome. Also called: Familial aplasia of the vermis; JOUBERT-BOLTSHAUSER SYNDROME. Identifiers: Orphanet 475, MedGen C5979921, MONDO:0018772.
Inborn genetic diseases. Identifiers: MedGen C0950123, MeSH D030342.

Allele frequency attached by ClinVar (database versions not stated): gnomAD exomes below 0.00001 and 0.00001; ExAC 0.00001; gnomAD 0.00001; TOPMed 0.00001.

Submissions (8):

Myriad Genetics, Inc.
Classification: Uncertain significance for Ciliopathy. Last evaluated: 2026-02-10. Review status: criteria provided, single submitter. Criteria: Myriad Autosomal Dominant, Autosomal Recessive and X-Linked Classification Criteria (2023). Collection method: clinical testing. Allele origin: unknown.
Comment: NM_017777.3(MKS1):c.371G>A(R124Q) is a missense variant classified as a variant of uncertain significance in the context of MKS1-related disorders. R124Q has been observed in a case with relevant disease (PMID: Elekes_2024_(Abstract)). Relevant functional assessments of this variant are not available in the literature. R124Q has not been observed in referenced population frequency databases. In summary, there is insufficient evidence to classify NM_017777.3(MKS1):c.371G>A(R124Q) as pathogenic or benign. Please note: this variant was assessed in the context of healthy population screening.

GeneDx
Classification: Likely pathogenic. Last evaluated: 2025-04-16. Review status: criteria provided, single submitter. Criteria: GeneDx Variant Classification Process June 2021. Collection method: clinical testing. Allele origin: germline. Affected: yes.
Comment: Observed in a fetus with Joubert syndrome with a second MKS1 variant but it is not known whether the variant occurred on the same (in cis) or on different (in trans) chromosomes (PMID: Elekes2024[abstract]); Not observed at significant frequency in large population cohorts (gnomAD); In silico analysis indicates that this missense variant does not alter protein structure/function; This variant is associated with the following publications: (PMID: Elekes2024[abstract])

Ambry Genetics
Classification: Uncertain significance for Inborn genetic diseases. Last evaluated: 2024-09-25. Review status: criteria provided, single submitter. Criteria: Ambry Variant Classification Scheme 2023. Collection method: clinical testing. Allele origin: germline.

Blueprint Genetics
Classification: Uncertain significance. Last evaluated: 2024-03-06. Review status: criteria provided, single submitter. Criteria: ACMG Guidelines, 2015. Collection method: clinical testing. Allele origin: germline.

CeGaT Center for Human Genetics Tuebingen
Classification: Uncertain significance. Last evaluated: 2023-04-01. Review status: criteria provided, single submitter. Criteria: CeGaT Center For Human Genetics Tuebingen Variant Classification Criteria Version 2. Collection method: clinical testing. Allele origin: germline. Affected: yes. Observed: 1 variant allele.
Comment: MKS1: PM2, PM3:Supporting

Labcorp Genetics (formerly Invitae), Labcorp
Classification: Uncertain significance for Joubert syndrome; Meckel-Gruber syndrome. Last evaluated: 2022-06-19. Review status: criteria provided, single submitter. Criteria: Invitae Variant Classification Sherloc (09022015). Collection method: clinical testing. Allele origin: germline.
Comment: This sequence change replaces arginine, which is basic and polar, with glutamine, which is neutral and polar, at codon 124 of the MKS1 protein (p.Arg124Gln). This variant is present in population databases (rs765026950, gnomAD 0.0009%). This variant has not been reported in the literature in individuals affected with MKS1-related conditions. ClinVar contains an entry for this variant (Variation ID: 530895). Advanced modeling of protein sequence and biophysical properties (such as structural, functional, and spatial information, amino acid conservation, physicochemical variation, residue mobility, and thermodynamic stability) performed at Invitae indicates that this missense variant is expected to disrupt MKS1 protein function. In summary, the available evidence is currently insufficient to determine the role of this variant in disease. Therefore, it has been classified as a Variant of Uncertain Significance.

PreventionGenetics, part of Exact Sciences
Classification: Uncertain significance for MKS1-related condition. Last evaluated: 2024-05-15. Review status: no assertion criteria provided. Collection method: clinical testing. Allele origin: germline. Not counted in ClinVar's aggregate classification.
Comment: The MKS1 c.371G>A variant is predicted to result in the amino acid substitution p.Arg124Gln. To our knowledge, this variant has not been reported in the literature. This variant is reported in 0.00088% of alleles in individuals of European (Non-Finnish) descent in gnomAD. At this time, the clinical significance of this variant is uncertain due to the absence of conclusive functional and genetic evidence.

Natera, Inc.
Classification: Uncertain significance for Meckel syndrome type 1. Last evaluated: 2021-05-28. Review status: no assertion criteria provided. Collection method: clinical testing. Allele origin: germline. Not counted in ClinVar's aggregate classification.